The following is an entry in ClinVar:

NM_001318510.2(ACSL4):c.468G>T (p.Glu156Asp)

Gene: ACSL4 (acyl-CoA synthetase long chain family member 4; minus strand). Cytogenetic location: Xq23.
Variant type: single nucleotide variant.
Coding change: c.468G>T on transcript NM_001318510.2 (MANE Select); coding-DNA position 468, G replaced by T.
Protein change: p.Glu156Asp; replaces glutamic acid 156 with aspartic acid.
Molecular consequence: missense variant.
Genome position (GRCh38, 1-based): chrX:109,681,314, C>A on the plus strand (G>T on the coding strand, the complement: ACSL4 is on the minus strand). VCF-style: chrX-109681314-C-A. GRCh37 (hg19) VCF-style: chrX-108924543-C-A.
Other names: c.591G>T, p.Glu197Asp (NM_001318509.2, NM_022977.3); c.468G>T, p.Glu156Asp (NM_004458.3); short protein forms E156D, E197D.
Identifiers: ClinVar variation 1805575 (VCV001805575.1), dbSNP rs1924148677, ClinGen allele CA414218275.

ClinVar aggregate classification (germline): Uncertain significance (1 of 4 stars; one submission).

Conditions:
Intellectual developmental disorder, X-linked 63. Also called: MENTAL RETARDATION, X-LINKED 68; Intellectual disability, X-linked 63. Identifiers: Orphanet 777, MedGen C1845672, MONDO:0010313, OMIM 300387.

Allele frequency attached by ClinVar (database versions not stated): TOPMed below 0.00001.

Submission:

Victorian Clinical Genetics Services, Murdoch Childrens Research Institute
Classification: Uncertain significance for Intellectual developmental disorder, X-linked 63. Last evaluated: 2020-05-21. Review status: criteria provided, single submitter. Criteria: ACMG Guidelines, 2015. Collection method: clinical testing. Allele origin: germline. Inheritance: X-linked dominant inheritance. Affected: yes.
Comment: Based on the classification scheme VCGS_Germline_v1.1.1, this variant is classified as 3B-VUS. Following criteria are met: 0102 - Loss-of-function is a known mechanism of disease for this gene. (N) 0110 - This gene is known to be associated with X-linked dominant disease. Two studies showed female carriers had 100% skewed X-inactivation (OMIM). (N) 0200 - Variant is predicted to result in a missense amino acid change from a glutamic acid to an aspartic acid (exon 5). (N) 0251 - Variant is heterozygous. (N) 0301 - Variant is absent from gnomAD. (P) 0502 - Missense variant with conflicting in silico predictions and/or uninformative conservation. (N) 0600 - Variant is located in an annotated domain or motif (AMP-binding domain; Decipher, PDB) (N) 0705 - No comparable variants have previous evidence for pathogenicity. (N) 0807 - Variant has not previously been reported in a clinical context. (N) 0905 - No segregation evidence has been identified for this variant. (N) 1007 - No published functional evidence has been identified for this variant. (N) 1208 - Inheritance information for this variant is not currently available. (N) Legend: (P) - Pathogenic, (N) - Neutral, (B) - Benign